The following is an entry in ClinVar:

ClinVar aggregate classification (germline): Uncertain significance (1 of 4 stars; one submission).

Submission:

Labcorp Genetics (formerly Invitae), Labcorp
Classification: Uncertain significance. Last evaluated: 2024-05-01. Review status: criteria provided, single submitter. Criteria: Invitae Variant Classification Sherloc (09022015). Collection method: clinical testing. Allele origin: germline.
Comment: This sequence change replaces serine, which is neutral and polar, with cysteine, which is neutral and slightly polar, at codon 232 of the RASA2 protein (p.Ser232Cys). This variant is not present in population databases (gnomAD no frequency). This variant has not been reported in the literature in individuals affected with RASA2-related conditions. An algorithm developed to predict the effect of missense changes on protein structure and function (PolyPhen-2) suggests that this variant is likely to be disruptive. In summary, the available evidence is currently insufficient to determine the role of this variant in disease. Therefore, it has been classified as a Variant of Uncertain Significance.

NM_006506.5(RASA2):c.695C>G (p.Ser232Cys)

Gene: RASA2 (RAS p21 protein activator 2; plus strand). Cytogenetic location: 3q23.
Variant type: single nucleotide variant.
Coding change: c.695C>G on transcript NM_006506.5 (MANE Select); coding-DNA position 695, C replaced by G.
Protein change: p.Ser232Cys; replaces serine 232 with cysteine.
Molecular consequence: missense variant.
Genome position (GRCh38, 1-based): chr3:141,558,896, C>G. VCF-style: chr3-141558896-C-G. GRCh37 (hg19) VCF-style: chr3-141277738-C-G.
Other names: c.695C>G, p.Ser232Cys (NM_001303245.3, NM_001303246.3); short protein forms S232C.
Identifiers: ClinVar variation 3616125 (VCV003616125.2).